The following is an entry in ClinVar:

NC_000009.11:g.(?_94485944)_(94538110_?)del

Gene: ROR2 (receptor tyrosine kinase like orphan receptor 2; minus strand). Cytogenetic location: 9q22.31.
Variant type: Deletion.
Identifiers: ClinVar variation 1071387 (VCV001071387.1).

ClinVar aggregate classification (germline): Pathogenic (1 of 4 stars; one submission).

Submission:

Labcorp Genetics (formerly Invitae), Labcorp
Classification: Pathogenic. Last evaluated: 2020-05-06. Review status: criteria provided, single submitter. Criteria: Invitae Variant Classification Sherloc (09022015). Collection method: clinical testing. Allele origin: germline.
Comment: This variant is a gross deletion of the genomic region encompassing exon(s) 2-9 of the ROR2 gene. The 5' boundary is likely confined to intron 1. The 3' end of this event is unknown as it extends through the termination codon beyond the assayed region for this gene and may encompass additional genes. While this deletion is not anticipated to result in nonsense mediated decay, it is expected to create a truncated protein product or disrupt mRNA translation. This variant has been observed in individual(s) with clinical features of Robinow syndrome (Invitae). The region of the ROR2 gene that includes exons 6-7 has been determined to be clinically significant (PMID: 18831060). Therefore, deletions that encompass that region are likely to disrupt protein function and cause disease. For these reasons, this variant has been classified as Pathogenic.

Literature cited by the submitters: PubMed 18831060.